The following is an entry in ClinVar:

ClinVar aggregate classification (germline): Uncertain significance. Review status: criteria provided, multiple submitters, no conflicts (2 of 4 stars). 2 submissions from 2 submitters: Uncertain significance (2). Last evaluated 2023-11-24.

Conditions:
Trichorhinophalangeal dysplasia type I (TRPS1). Also called: TRPS I; TRICHORHINOPHALANGEAL SYNDROME, TYPE I. Identifiers: Orphanet 77258, MedGen C0432233, MONDO:0008596, OMIM 190350.
Trichorhinophalangeal syndrome, type III (TRPS3). Also called: SUGIO-KAJII SYNDROME. Identifiers: Orphanet 77258, MedGen C1860823, OMIM 190351, MONDO:0008597.

gnomAD v4.1: 7 of 1,614,032 alleles (0.00043%); highest among the groups gnomAD compares: Non-Finnish European, 0.00059%; no homozygotes.

Submissions (2):

Labcorp Genetics (formerly Invitae), Labcorp
Classification: Uncertain significance for Trichorhinophalangeal syndrome, type III; Trichorhinophalangeal dysplasia type I. Last evaluated: 2023-11-24. Review status: criteria provided, single submitter. Criteria: Invitae Variant Classification Sherloc (09022015). Collection method: clinical testing. Allele origin: germline.
Comment: This sequence change replaces threonine, which is neutral and polar, with serine, which is neutral and polar, at codon 1059 of the TRPS1 protein (p.Thr1059Ser). This variant is not present in population databases (gnomAD no frequency). This variant has not been reported in the literature in individuals affected with TRPS1-related conditions. ClinVar contains an entry for this variant (Variation ID: 1806655). Advanced modeling of protein sequence and biophysical properties (such as structural, functional, and spatial information, amino acid conservation, physicochemical variation, residue mobility, and thermodynamic stability) performed at Invitae indicates that this missense variant is not expected to disrupt TRPS1 protein function with a negative predictive value of 80%. In summary, the available evidence is currently insufficient to determine the role of this variant in disease. Therefore, it has been classified as a Variant of Uncertain Significance.

GeneDx
Classification: Uncertain significance. Last evaluated: 2022-06-23. Review status: criteria provided, single submitter. Criteria: GeneDx Variant Classification Process June 2021. Collection method: clinical testing. Allele origin: germline. Affected: yes.
Comment: Not observed at significant frequency in large population cohorts (gnomAD); In silico analysis supports that this missense variant does not alter protein structure/function; Has not been previously published as pathogenic or benign to our knowledge

NM_014112.5(TRPS1):c.3176C>G (p.Thr1059Ser)

Gene: TRPS1 (transcriptional repressor GATA binding 1; minus strand). Cytogenetic location: 8q23.3.
Variant type: single nucleotide variant.
Coding change: c.3176C>G on transcript NM_014112.5 (MANE Select); coding-DNA position 3176, C replaced by G.
Protein change: p.Thr1059Ser; replaces threonine 1059 with serine.
Molecular consequence: missense variant.
Genome position (GRCh38, 1-based): chr8:115,414,732, G>C on the plus strand (C>G on the coding strand, the complement: TRPS1 is on the minus strand). VCF-style: chr8-115414732-G-C. GRCh37 (hg19) VCF-style: chr8-116426960-G-C.
Other names: c.3149C>G, p.Thr1050Ser (NM_001282902.3); c.3155C>G, p.Thr1052Ser (NM_001282903.3); c.3137C>G, p.Thr1046Ser (NM_001330599.2); short protein forms T1046S, T1050S, T1052S, T1059S.
Identifiers: ClinVar variation 1806655 (VCV001806655.4), dbSNP rs1387450804, ClinGen allele CA372063335.